The following is an entry in ClinVar:

ClinVar aggregate classification (germline): Uncertain significance. Review status: criteria provided, multiple submitters, no conflicts (2 of 4 stars). 2 submissions from 2 submitters: Uncertain significance (2). Last evaluated 2025-05-22.

Conditions:
Short-rib thoracic dysplasia 10 with or without polydactyly (SRTD10). Identifiers: Orphanet 474, MedGen C3810175, MONDO:0014284, OMIM 615630.
Retinitis pigmentosa 71 (RP71). Identifiers: Orphanet 791, MedGen C4225342, MONDO:0014618, OMIM 616394.
IFT172-related disorder. Also called: IFT172-related condition; IFT172-related disorders.

Allele frequency attached by ClinVar (database versions not stated): TOPMed 0.00001; ExAC 0.00002; gnomAD 0.00003; ESP Exome Variant Server 0.00008; 1000 Genomes Project 0.00020; 1000 Genomes Project 30x 0.00031.
gnomAD v4.1: 18 of 1,614,070 alleles (0.0011%); highest among the groups gnomAD compares: African/African-American, 0.0067%; no homozygotes.

Submissions (2):

PreventionGenetics, part of Exact Sciences
Classification: Uncertain significance for IFT172-related condition. Last evaluated: 2025-05-22. Review status: criteria provided, single submitter. Criteria: ACMG Guidelines, 2015. Collection method: clinical testing. Allele origin: germline.
Comment: The IFT172 c.2963G>A variant is predicted to result in the amino acid substitution p.Arg988His. To our knowledge, this variant has not been reported in the literature. This variant is reported in 0.012% of alleles in individuals of African descent in gnomAD. At this time, the clinical significance of this variant is uncertain due to the absence of conclusive functional and genetic evidence.

Labcorp Genetics (formerly Invitae), Labcorp
Classification: Uncertain significance for Retinitis pigmentosa 71; Short-rib thoracic dysplasia 10 with or without polydactyly. Last evaluated: 2022-08-05. Review status: criteria provided, single submitter. Criteria: Invitae Variant Classification Sherloc (09022015). Collection method: clinical testing. Allele origin: germline.
Comment: In summary, the available evidence is currently insufficient to determine the role of this variant in disease. Therefore, it has been classified as a Variant of Uncertain Significance. Algorithms developed to predict the effect of missense changes on protein structure and function (SIFT, PolyPhen-2, Align-GVGD) all suggest that this variant is likely to be tolerated. This variant has not been reported in the literature in individuals affected with IFT172-related conditions. This variant is present in population databases (rs201853736, gnomAD 0.01%). This sequence change replaces arginine, which is basic and polar, with histidine, which is basic and polar, at codon 988 of the IFT172 protein (p.Arg988His).

NM_015662.3(IFT172):c.2963G>A (p.Arg988His)

Gene: IFT172 (intraflagellar transport 172; minus strand). Cytogenetic location: 2p23.3.
Variant type: single nucleotide variant.
Coding change: c.2963G>A on transcript NM_015662.3 (MANE Select); coding-DNA position 2963, G replaced by A.
Protein change: p.Arg988His; replaces arginine 988 with histidine.
Molecular consequence: missense variant.
Genome position (GRCh38, 1-based): chr2:27,458,138, C>T on the plus strand (G>A on the coding strand, the complement: IFT172 is on the minus strand). VCF-style: chr2-27458138-C-T. GRCh37 (hg19) VCF-style: chr2-27681005-C-T.
Other names: c.2897G>A, p.Arg966His (NM_001410739.1); c.2963G>A (NM_015662.2); short protein forms R988H, R966H.
Identifiers: ClinVar variation 2058621 (VCV002058621.5), dbSNP rs201853736, ClinGen allele CA1580133.
Genomic context (GRCh38, chr2:27,458,138, plus strand): 5'-CCTTGAAATCTCATCTCCCTCTACACCTCCTCTGGGGCCACGGCTCACCTTTCAGCCTCA[C>T]GGTACTTGCCCTGCTTCTCCATTTCCTGGGCCTGAGTGATGTATAGCACTGACACATCTT-3'
Protein context (NP_056477.1, residues 978-998): AQEMEKQGKY[Arg988His]EAERLYVTVQ